The following is an entry in ClinVar:

NM_002734.5(PRKAR1A):c.756A>C (p.Lys252Asn)

Gene: PRKAR1A (protein kinase cAMP-dependent type I regulatory subunit alpha; plus strand). Cytogenetic location: 17q24.2.
Variant type: single nucleotide variant.
Coding change: c.756A>C on transcript NM_002734.5 (MANE Select); coding-DNA position 756, A replaced by C.
Protein change: p.Lys252Asn; replaces lysine 252 with asparagine.
Molecular consequence: missense variant.
Genome position (GRCh38, 1-based): chr17:68,527,887, A>C. VCF-style: chr17-68527887-A-C. GRCh37 (hg19) VCF-style: chr17-66524028-A-C.
Other names: c.756A>C, p.Lys252Asn (NM_001276289.2, NM_001276290.1, NM_001278433.2 and 4 more transcripts); short protein forms K252N.
Identifiers: ClinVar variation 974959 (VCV000974959.12), dbSNP rs1242606073, ClinGen allele CA400753566.

ClinVar aggregate classification (germline): Uncertain significance. Review status: criteria provided, multiple submitters, no conflicts (2 of 4 stars). 5 submissions from 5 submitters: Uncertain significance (5). Last evaluated 2025-02-05.

Conditions:
Hereditary cancer-predisposing syndrome. Also called: Hereditary Cancer Syndrome; Hereditary neoplastic syndrome; Tumor predisposition; Neoplastic Syndromes, Hereditary. Identifiers: Orphanet 140162, MedGen C0027672, MeSH D009386, MONDO:0015356.
Carney complex, type 1 (CNC1). Also called: CARNEY COMPLEX, TYPE I; CARNEY MYXOMA-ENDOCRINE COMPLEX. Identifiers: Orphanet 1359, MedGen C2607929, MONDO:0008057, OMIM 160980.

Allele frequency attached by ClinVar (database versions not stated): TOPMed 0.00002; gnomAD 0.00003.
gnomAD v4.1: 4 of 1,611,762 alleles (0.00025%); highest among the groups gnomAD compares: African/African-American, 0.0053%; no homozygotes.

Submissions (5):

St. Jude Molecular Pathology, St. Jude Children's Research Hospital
Classification: Uncertain significance for Carney complex, type 1. Last evaluated: 2025-02-05. Review status: criteria provided, single submitter. Criteria: St. Jude Assertion Criteria 2020. Collection method: clinical testing. Allele origin: germline.
Comment: The PRKAR1A c.756A>C (p.Lys252Asn) missense change has a maximum subpopulation frequency of 0.01% in gnomAD v2.1.1. The in silico tool REVEL is inconclusive about a pathogenic or benign effect of this variant on protein function, and functional studies have not been performed. This variant has not been reported in individuals with Carney complex. In summary, the evidence currently available is insufficient to determine the clinical significance of this variant. It has therefore been classified as of uncertain significance.

Labcorp Genetics (formerly Invitae), Labcorp
Classification: Uncertain significance for Carney complex, type 1. Last evaluated: 2024-12-03. Review status: criteria provided, single submitter. Criteria: Invitae Variant Classification Sherloc (09022015). Collection method: clinical testing. Allele origin: germline.
Comment: This sequence change replaces lysine, which is basic and polar, with asparagine, which is neutral and polar, at codon 252 of the PRKAR1A protein (p.Lys252Asn). This variant is present in population databases (no rsID available, gnomAD 0.01%). This variant has not been reported in the literature in individuals affected with PRKAR1A-related conditions. ClinVar contains an entry for this variant (Variation ID: 974959). Invitae Evidence Modeling of protein sequence and biophysical properties (such as structural, functional, and spatial information, amino acid conservation, physicochemical variation, residue mobility, and thermodynamic stability) indicates that this missense variant is not expected to disrupt PRKAR1A protein function with a negative predictive value of 95%. In summary, the available evidence is currently insufficient to determine the role of this variant in disease. Therefore, it has been classified as a Variant of Uncertain Significance.

Ambry Genetics
Classification: Uncertain significance for Hereditary cancer-predisposing syndrome. Last evaluated: 2024-05-26. Review status: criteria provided, single submitter. Criteria: Ambry Variant Classification Scheme 2023. Collection method: clinical testing. Allele origin: germline.
Comment: The p.K252N variant (also known as c.756A>C), located in coding exon 7 of the PRKAR1A gene, results from an A to C substitution at nucleotide position 756. The lysine at codon 252 is replaced by asparagine, an amino acid with similar properties. This amino acid position is conserved. In addition, the in silico prediction for this alteration is inconclusive. Since supporting evidence is limited at this time, the clinical significance of this alteration remains unclear.

GeneDx
Classification: Uncertain significance. Last evaluated: 2022-11-08. Review status: criteria provided, single submitter. Criteria: GeneDx Variant Classification Process June 2021. Collection method: clinical testing. Allele origin: germline. Affected: yes.
Comment: In silico analysis supports that this missense variant has a deleterious effect on protein structure/function; Has not been previously published as pathogenic or benign to our knowledge; This variant is associated with the following publications: (PMID: 24363928)

Women's Health and Genetics/Laboratory Corporation of America, LabCorp
Classification: Uncertain significance. Last evaluated: 2020-07-22. Review status: criteria provided, single submitter. Criteria: LabCorp Variant Classification Summary - May 2015. Collection method: clinical testing. Allele origin: germline.
Comment: Variant summary: PRKAR1A c.756A>C (p.Lys252Asn) results in a non-conservative amino acid change located in the Cyclic nucleotide-binding domain (IPR000595) of the encoded protein sequence. Three of five in-silico tools predict a benign effect of the variant on protein function. The variant allele was found at a frequency of 2.8e-05 in 143298 control chromosomes, predominantly at a frequency of 9.5e-05 within the African subpopulation (gnomAD v3 genomes dataset). The available data on variant occurrences in the general population are insufficient to allow any conclusion about variant significance. To our knowledge, no occurrence of c.756A>C in individuals affected with Carney Complex and no experimental evidence demonstrating its impact on protein function have been reported. No clinical diagnostic laboratories have submitted clinical-significance assessments for this variant to ClinVar after 2014. Based on the evidence outlined above, the variant was classified as uncertain significance.